The following is an entry in ClinVar:

NM_000271.5(NPC1):c.3797G>A (p.Arg1266Gln)

Gene: NPC1 (NPC intracellular cholesterol transporter 1; minus strand). Cytogenetic location: 18q11.2.
Variant type: single nucleotide variant.
Coding change: c.3797G>A on transcript NM_000271.5 (MANE Select); coding-DNA position 3797, G replaced by A.
Protein change: p.Arg1266Gln; replaces arginine 1266 with glutamine.
Molecular consequence: missense variant.
Genome position (GRCh38, 1-based): chr18:23,532,242, C>T on the plus strand (G>A on the coding strand, the complement: NPC1 is on the minus strand). VCF-style: chr18-23532242-C-T. GRCh37 (hg19) VCF-style: chr18-21112206-C-T.
Other names: short protein forms R1266Q.
Identifiers: ClinVar variation 21140 (VCV000021140.38), dbSNP rs1805084, ClinGen allele CA145968.

ClinVar aggregate classification (germline): Benign. Review status: criteria provided, multiple submitters, no conflicts (2 of 4 stars). 14 submissions from 14 submitters: Benign (8). 6 of the submissions do not count toward it. Last evaluated 2026-02-04.

Conditions:
Niemann-Pick disease, type C1. Also called: NIEMANN-PICK DISEASE, VARIANT TYPE C1; NEUROVISCERAL STORAGE DISEASE WITH VERTICAL SUPRANUCLEAR OPHTHALMOPLEGIA; NIEMANN-PICK DISEASE WITH CHOLESTEROL ESTERIFICATION BLOCK; NIEMANN-PICK DISEASE WITHOUT SPHINGOMYELINASE DEFICIENCY; NIEMANN-PICK DISEASE, CHRONIC NEURONOPATHIC FORM. Identifiers: Orphanet 646, MedGen C3179455, MONDO:0009757, OMIM 257220.

Allele frequency attached by ClinVar (database versions not stated): ESP Exome Variant Server 0.09803; 1000 Genomes Project 0.15016; ExAC 0.07308; gnomAD 0.10225 and 0.10165; TOPMed 0.11747; 1000 Genomes Project 30x 0.15459; gnomAD exomes 0.07235.
gnomAD v4.1: 80,174 of 1,614,046 alleles (5%); highest among the groups gnomAD compares: African/African-American, 24%; 4,326 homozygotes.

Submissions (14):

Labcorp Genetics (formerly Invitae), Labcorp
Classification: Benign for Niemann-Pick disease, type C1. Last evaluated: 2026-02-04. Review status: criteria provided, single submitter. Criteria: Invitae Variant Classification Sherloc (09022015). Collection method: clinical testing. Allele origin: germline.

Genome-Nilou Lab
Classification: Benign for Niemann-Pick disease, type C1. Last evaluated: 2021-06-10. Review status: criteria provided, single submitter. Criteria: ACMG Guidelines, 2015. Collection method: clinical testing. Allele origin: germline. Affected: no.

Illumina Laboratory Services, Illumina
Classification: Benign for Niemann-Pick disease type C1. Last evaluated: 2018-01-13. Review status: criteria provided, single submitter. Criteria: ICSL Variant Classification Criteria 13 December 2019. Collection method: clinical testing. Allele origin: germline.
Comment: This variant was observed in the ICSL laboratory as part of a predisposition screen in an ostensibly healthy population. It had not been previously curated by ICSL or reported in the Human Gene Mutation Database (HGMD: prior to June 1st, 2018), and was therefore a candidate for classification through an automated scoring system. Utilizing variant allele frequency, disease prevalence and penetrance estimates, and inheritance mode, an automated score was calculated to assess if this variant is too frequent to cause the disease. Based on the score and internal cut-off values, a variant classified as benign is not then subjected to further curation. The score for this variant resulted in a classification of benign for this disease.

Clinical Genetics DNA and cytogenetics Diagnostics Lab, Erasmus MC, Erasmus Medical Center
Classification: Benign for Niemann-Pick disease, type C1. Last evaluated: 2017-05-31. Review status: criteria provided, single submitter. Criteria: ACGS Guidelines, 2013. Collection method: clinical testing. Allele origin: germline. Affected: yes. Study: VKGL Data-share Consensus.

Eurofins Ntd Llc (ga)
Classification: Benign. Last evaluated: 2015-07-24. Review status: criteria provided, single submitter. Criteria: EGL Classification Definitions 2015. Collection method: clinical testing. Allele origin: germline. Observed: 15 variant alleles, 15 heterozygotes.

GeneDx
Classification: Benign. Last evaluated: 2015-03-03. Review status: criteria provided, single submitter. Criteria: GeneDx Variant Classification Process June 2021. Collection method: clinical testing. Allele origin: germline. Affected: yes.

Breakthrough Genomics
Classification: Benign. Review status: criteria provided, single submitter. Criteria: ACMG Guidelines, 2015. Collection method: not provided. Allele origin: germline. Inheritance: Autosomal recessive inheritance. Affected: yes.

PreventionGenetics, part of Exact Sciences
Classification: Benign. Review status: criteria provided, single submitter. Criteria: ACMG Guidelines, 2015. Collection method: clinical testing. Allele origin: germline.

Natera, Inc.
Classification: Benign for Niemann-Pick disease type C1. Last evaluated: 2019-11-21. Review status: no assertion criteria provided. Collection method: clinical testing. Allele origin: germline. Not counted in ClinVar's aggregate classification.

Genome Diagnostics Laboratory, Amsterdam University Medical Center
Classification: Benign for Niemann-Pick disease, type C1. Last evaluated: 2016-04-22. Review status: no assertion criteria provided. Criteria: ACGS Guidelines, 2013. Collection method: clinical testing. Allele origin: germline. Affected: yes. Study: VKGL Data-share Consensus. Not counted in ClinVar's aggregate classification.

Mayo Clinic Laboratories, Mayo Clinic
Classification: Benign. Last evaluated: 2015-12-16. Review status: no assertion criteria provided. Collection method: clinical testing. Allele origin: unknown. Not counted in ClinVar's aggregate classification.

Clinical Genetics, Academic Medical Center
Classification: Benign. Review status: no assertion criteria provided. Collection method: clinical testing. Allele origin: germline. Affected: yes. Study: VKGL Data-share Consensus. Not counted in ClinVar's aggregate classification.

GeneReviews
No classification provided. Condition: Niemann-Pick disease, type C1. Review status: no classification provided. Collection method: literature only. Allele origin: unknown. Not counted in ClinVar's aggregate classification.

Joint Genome Diagnostic Labs from Nijmegen and Maastricht, Radboudumc and MUMC+
Classification: Benign. Review status: no assertion criteria provided. Collection method: clinical testing. Allele origin: germline. Affected: yes. Study: VKGL Data-share Consensus. Not counted in ClinVar's aggregate classification.

Literature cited by the submitters: PubMed 16098014 (cited by GeneReviews); PubMed 20301473 (cited by GeneReviews); NCBI Bookshelf NBK1296 (cited by GeneReviews).